The following is an entry in ClinVar:

ClinVar aggregate classification (germline): Benign. Review status: criteria provided, multiple submitters, no conflicts (2 of 4 stars). 3 submissions from 3 submitters: Benign (2). 1 of the submissions does not count toward it. Last evaluated 2021-02-25.

Conditions:
PPP1R9A-related disorder. Also called: PPP1R9A-related condition.

Allele frequency attached by ClinVar (database versions not stated): gnomAD exomes 0.09788; ExAC 0.09808; ESP Exome Variant Server 0.13655; gnomAD 0.14018 and 0.14123; TOPMed 0.15513; 1000 Genomes Project 0.19948; 1000 Genomes Project 30x 0.20331.
gnomAD v4.1: 110,756 of 1,614,054 alleles (6.9%); highest among the groups gnomAD compares: African/African-American, 33%; 8,078 homozygotes.

Submissions (3):

GeneDx
Classification: Benign. Last evaluated: 2021-02-25. Review status: criteria provided, single submitter. Criteria: GeneDx Variant Classification Process June 2021. Collection method: clinical testing. Allele origin: germline. Affected: yes.
Comment: This variant is associated with the following publications: (PMID: 25889363)

Breakthrough Genomics
Classification: Benign. Review status: criteria provided, single submitter. Criteria: ACMG Guidelines, 2015. Collection method: not provided. Allele origin: germline. Inheritance: Unknown mechanism. Affected: yes.

PreventionGenetics, part of Exact Sciences
Classification: Benign for PPP1R9A-related condition. Last evaluated: 2019-12-05. Review status: no assertion criteria provided. Collection method: clinical testing. Allele origin: germline. Not counted in ClinVar's aggregate classification.
Comment: This variant is classified as benign based on ACMG/AMP sequence variant interpretation guidelines (Richards et al. 2015 PMID: 25741868, with internal and published modifications).

NM_001166160.2(PPP1R9A):c.991A>G (p.Met331Val)

Gene: PPP1R9A (protein phosphatase 1 regulatory subunit 9A; plus strand). Cytogenetic location: 7q21.3.
Variant type: single nucleotide variant.
Coding change: c.991A>G on transcript NM_001166160.2 (MANE Select); coding-DNA position 991, A replaced by G.
Protein change: p.Met331Val; replaces methionine 331 with valine.
Molecular consequence: missense variant.
Genome position (GRCh38, 1-based): chr7:94,911,104, A>G. VCF-style: chr7-94911104-A-G. GRCh37 (hg19) VCF-style: chr7-94540416-A-G.
Other names: c.991A>G, p.Met331Val (NM_001166161.1, NM_001166162.1, NM_001166163.1 and 1 more transcripts); short protein forms M331V.
Identifiers: ClinVar variation 1282072 (VCV001282072.4), dbSNP rs10230714, ClinGen allele CA4349320.